The following is an entry in ClinVar:

NM_001261826.3(AP3D1):c.2125C>T (p.Leu709Phe)

Gene: AP3D1 (adaptor related protein complex 3 subunit delta 1; minus strand). Cytogenetic location: 19p13.3.
Variant type: single nucleotide variant.
Coding change: c.2125C>T on transcript NM_001261826.3 (MANE Select); coding-DNA position 2125, C replaced by T.
Protein change: p.Leu709Phe; replaces leucine 709 with phenylalanine.
Molecular consequence: missense variant.
Genome position (GRCh38, 1-based): chr19:2,115,562, G>A on the plus strand (C>T on the coding strand, the complement: AP3D1 is on the minus strand). VCF-style: chr19-2115562-G-A. GRCh37 (hg19) VCF-style: chr19-2115561-G-A.
Other names: c.2125C>T, p.Leu709Phe (NM_001374799.1, NM_003938.8); short protein forms L709F.
Identifiers: ClinVar variation 2908154 (VCV002908154.3), dbSNP rs757382095, ClinGen allele CA9059015.
Genomic context (GRCh38, chr19:2,115,562, plus strand): 5'-TGACAAATGCGGCGCCGACACACCGGAGACACTTGCCTGGAACCTTCAAGGGGACGGAGA[G>A]GTCAATCTGCACCACGGGAATGTGCTCCACGCCCGGGGTGTCCTGGTACCGCTGCAAAGG-3'
Protein context (NP_001248755.1, residues 699-719): VEHIPVVQID[Leu709Phe]SVPLKVPGLP

ClinVar aggregate classification (germline): Uncertain significance (1 of 4 stars; one submission).

Allele frequency attached by ClinVar (database versions not stated): TOPMed 0.00002; ExAC 0.00003; gnomAD exomes 0.00001; gnomAD 0.00001.
gnomAD v4.1: 8 of 1,613,180 alleles (0.0005%); highest among the groups gnomAD compares: Admixed American, 0.012%; no homozygotes.

Submission:

Labcorp Genetics (formerly Invitae), Labcorp
Classification: Uncertain significance. Last evaluated: 2025-03-05. Review status: criteria provided, single submitter. Criteria: Invitae Variant Classification Sherloc (09022015). Collection method: clinical testing. Allele origin: germline.
Comment: This sequence change replaces leucine, which is neutral and non-polar, with phenylalanine, which is neutral and non-polar, at codon 709 of the AP3D1 protein (p.Leu709Phe). This variant is present in population databases (rs757382095, gnomAD 0.02%). This variant has not been reported in the literature in individuals affected with AP3D1-related conditions. ClinVar contains an entry for this variant (Variation ID: 2908154). An algorithm developed to predict the effect of missense changes on protein structure and function (PolyPhen-2) suggests that this variant is likely to be disruptive. In summary, the available evidence is currently insufficient to determine the role of this variant in disease. Therefore, it has been classified as a Variant of Uncertain Significance.